The following is an entry in ClinVar:

ClinVar aggregate classification (germline): Uncertain significance (1 of 4 stars; one submission).

Conditions:
Neurofibromatosis, type 1 (NF1). Also called: Peripheral type neurofibromatosis; VON RECKLINGHAUSEN DISEASE; NEUROFIBROMATOSIS, TYPE I, SOMATIC; Neurofibromatosis, type I. Identifiers: Orphanet 636, MedGen C0027831, MONDO:0018975, OMIM 162200. Disease mechanism: loss of function.

Submission:

Labcorp Genetics (formerly Invitae), Labcorp
Classification: Uncertain significance for Neurofibromatosis, type 1. Last evaluated: 2023-12-31. Review status: criteria provided, single submitter. Criteria: Invitae Variant Classification Sherloc (09022015). Collection method: clinical testing. Allele origin: germline.
Comment: This sequence change replaces isoleucine, which is neutral and non-polar, with leucine, which is neutral and non-polar, at codon 1818 of the NF1 protein (p.Ile1818Leu). This variant is not present in population databases (gnomAD no frequency). This variant has not been reported in the literature in individuals affected with NF1-related conditions. Advanced modeling of protein sequence and biophysical properties (such as structural, functional, and spatial information, amino acid conservation, physicochemical variation, residue mobility, and thermodynamic stability) has been performed at Invitae for this missense variant, however the output from this modeling did not meet the statistical confidence thresholds required to predict the impact of this variant on NF1 protein function. In summary, the available evidence is currently insufficient to determine the role of this variant in disease. Therefore, it has been classified as a Variant of Uncertain Significance.

NM_001042492.3(NF1):c.5515A>C (p.Ile1839Leu)

Gene: NF1 (neurofibromin 1; plus strand). Cytogenetic location: 17q11.2.
Variant type: single nucleotide variant.
Coding change: c.5515A>C on transcript NM_001042492.3 (MANE Select); coding-DNA position 5515, A replaced by C.
Protein change: p.Ile1839Leu; replaces isoleucine 1839 with leucine.
Molecular consequence: missense variant.
Genome position (GRCh38, 1-based): chr17:31,327,745, A>C. VCF-style: chr17-31327745-A-C. GRCh37 (hg19) VCF-style: chr17-29654763-A-C.
Other names: c.5452A>C, p.Ile1818Leu (NM_000267.4); short protein forms I1839L, I1818L.
Identifiers: ClinVar variation 2706733 (VCV002706733.3), dbSNP rs2151541625, ClinGen allele CA399009703.